The following is an entry in ClinVar:

ClinVar aggregate classification (germline): Uncertain significance (1 of 4 stars; one submission).

Submission:

Labcorp Genetics (formerly Invitae), Labcorp
Classification: Uncertain significance. Last evaluated: 2025-09-27. Review status: criteria provided, single submitter. Criteria: Invitae Variant Classification Sherloc (09022015). Collection method: clinical testing. Allele origin: germline.
Comment: This sequence change replaces arginine, which is basic and polar, with lysine, which is basic and polar, at codon 30 of the ATP1A1 protein (p.Arg30Lys). This variant is not present in population databases (gnomAD no frequency). This variant has not been reported in the literature in individuals affected with ATP1A1-related conditions. ClinVar contains an entry for this variant (Variation ID: 2852881). Invitae Evidence Modeling of protein sequence and biophysical properties (such as structural, functional, and spatial information, amino acid conservation, physicochemical variation, residue mobility, and thermodynamic stability) indicates that this missense variant is not expected to disrupt ATP1A1 protein function with a negative predictive value of 95%. In summary, the available evidence is currently insufficient to determine the role of this variant in disease. Therefore, it has been classified as a Variant of Uncertain Significance.

NM_000701.8(ATP1A1):c.89G>A (p.Arg30Lys)

Gene: ATP1A1 (ATPase Na+/K+ transporting subunit alpha 1; plus strand). Cytogenetic location: 1p13.1.
Variant type: single nucleotide variant.
Coding change: c.89G>A on transcript NM_000701.8 (MANE Select); coding-DNA position 89, G replaced by A.
Protein change: p.Arg30Lys; replaces arginine 30 with lysine.
Molecular consequence: missense variant. On other transcripts: 5 prime UTR variant (1).
Genome position (GRCh38, 1-based): chr1:116,384,090, G>A. VCF-style: chr1-116384090-G-A. GRCh37 (hg19) VCF-style: chr1-116926712-G-A.
Other names: c.89G>A, p.Arg30Lys (NM_001160233.2); c.-5G>A (NM_001160234.2); short protein forms R30K.
Identifiers: ClinVar variation 2852881 (VCV002852881.3), dbSNP rs2525807607, ClinGen allele CA341840331.